The following is an entry in ClinVar:

ClinVar aggregate classification (germline): Likely pathogenic (1 of 4 stars; one submission).

Conditions:
Tyrosinemia type II (TYRSN2). Also called: TAT DEFICIENCY; TYROSINE AMINOTRANSFERASE DEFICIENCY; TYROSINE TRANSAMINASE DEFICIENCY; KERATOSIS PALMOPLANTARIS WITH CORNEAL DYSTROPHY; OREGON TYPE TYROSINEMIA. Identifiers: Orphanet 28378, MedGen C0268487, MONDO:0010160, OMIM 276600.

Allele frequency attached by ClinVar (database versions not stated): gnomAD exomes below 0.00001.

Submission:

Labcorp Genetics (formerly Invitae), Labcorp
Classification: Likely pathogenic for Tyrosinemia type II. Last evaluated: 2022-11-28. Review status: criteria provided, single submitter. Criteria: Invitae Variant Classification Sherloc (09022015). Collection method: clinical testing. Allele origin: germline.
Comment: In summary, the currently available evidence indicates that the variant is pathogenic, but additional data are needed to prove that conclusively. Therefore, this variant has been classified as Likely Pathogenic. Advanced modeling of protein sequence and biophysical properties (such as structural, functional, and spatial information, amino acid conservation, physicochemical variation, residue mobility, and thermodynamic stability) performed at Invitae indicates that this missense variant is expected to disrupt TAT protein function. ClinVar contains an entry for this variant (Variation ID: 1378408). This missense change has been observed in individual(s) with biochemical features of tyrosinemia (Invitae). In at least one individual the data is consistent with being in trans (on the opposite chromosome) from a pathogenic variant. This variant is not present in population databases (gnomAD no frequency). This sequence change replaces tyrosine, which is neutral and polar, with histidine, which is basic and polar, at codon 186 of the TAT protein (p.Tyr186His).

NM_000353.3(TAT):c.556T>C (p.Tyr186His)

Genes: TAT (tyrosine aminotransferase; minus strand), LOC111413029 (BRD4-independent group 4 enhancer GRCh37_chr16:71605697-71606896; plus strand). Cytogenetic location: 16q22.2.
Variant type: single nucleotide variant.
Coding change: c.556T>C on transcript NM_000353.3 (MANE Select); coding-DNA position 556, T replaced by C.
Protein change: p.Tyr186His; replaces tyrosine 186 with histidine.
Molecular consequence: missense variant.
Genome position (GRCh38, 1-based): chr16:71,572,541, A>G on the plus strand (T>C on the coding strand, the complement: TAT is on the minus strand). VCF-style: chr16-71572541-A-G. GRCh37 (hg19) VCF-style: chr16-71606444-A-G.
Other names: short protein forms Y186H.
Identifiers: ClinVar variation 1378408 (VCV001378408.6), dbSNP rs2145232912, ClinGen allele CA396653095.